The following is an entry in ClinVar:

NM_138691.3(TMC1):c.453+1G>T

Gene: TMC1 (transmembrane channel like 1; plus strand). Cytogenetic location: 9q21.13.
Variant type: single nucleotide variant.
Coding change: c.453+1G>T on transcript NM_138691.3 (MANE Select); the canonical splice donor site of the intron after coding-DNA position 453, G replaced by T.
Molecular consequence: splice donor variant.
Genome position (GRCh38, 1-based): chr9:72,740,210, G>T. VCF-style: chr9-72740210-G-T. GRCh37 (hg19) VCF-style: chr9-75355126-G-T.
Identifiers: ClinVar variation 3601907 (VCV003601907.1).

ClinVar aggregate classification (germline): Pathogenic (1 of 4 stars; one submission).

Conditions:
Autosomal recessive nonsyndromic hearing loss 7. Also called: DEAFNESS, AUTOSOMAL RECESSIVE 11. Identifiers: Orphanet 90636, MedGen C1832978, MONDO:0010967, OMIM 600974.

gnomAD v4.1: 1 of 1,612,892 alleles (0.000062%); highest among the groups gnomAD compares: East Asian, 0.0022%; no homozygotes.

Submission:

Institute of Rare Diseases, West China Hospital, Sichuan University
Classification: Pathogenic for Autosomal recessive nonsyndromic hearing loss 7. Last evaluated: 2025-01-09. Review status: criteria provided, single submitter. Criteria: ClinGen HL ACMG Specifications v1. Collection method: research. Allele origin: germline. Affected: yes.
Comment: PVS1;PM3;PM2_Supporting